The following is an entry in ClinVar:

NM_006118.4(HAX1):c.182T>G (p.Phe61Cys)

Gene: HAX1 (HCLS1 associated protein X-1; plus strand). Cytogenetic location: 1q21.3.
Variant type: single nucleotide variant.
Coding change: c.182T>G on transcript NM_006118.4 (MANE Select); coding-DNA position 182, T replaced by G.
Protein change: p.Phe61Cys; replaces phenylalanine 61 with cysteine.
Molecular consequence: missense variant. On other transcripts: intron variant (1).
Genome position (GRCh38, 1-based): chr1:154,273,464, T>G. VCF-style: chr1-154273464-T-G. GRCh37 (hg19) VCF-style: chr1-154245940-T-G.
Other names: c.54-16T>G (NM_001018837.2); short protein forms F61C.
Identifiers: ClinVar variation 812887 (VCV000812887.10), dbSNP rs146452018, ClinGen allele CA1127282.

ClinVar aggregate classification (germline): Uncertain significance. Review status: criteria provided, multiple submitters, no conflicts (2 of 4 stars). 4 submissions from 4 submitters: Uncertain significance (2). 2 of the submissions do not count toward it. Last evaluated 2024-10-30.

Conditions:
Kostmann syndrome (SCN3). Also called: KOSTMANN DISEASE; Autosomal recessive severe congenital neutropenia type 3. Identifiers: Orphanet 99749, MedGen C5235141, MONDO:0012548, OMIM 610738.
Decreased total neutrophil count. Also called: Neutropenia. Identifiers: MedGen C0853697, MONDO:0001475, HP:0001875.

Allele frequency attached by ClinVar (database versions not stated): TOPMed 0.00005.

Submissions (4):

Labcorp Genetics (formerly Invitae), Labcorp
Classification: Uncertain significance for Kostmann syndrome. Last evaluated: 2024-10-30. Review status: criteria provided, single submitter. Criteria: Invitae Variant Classification Sherloc (09022015). Collection method: clinical testing. Allele origin: germline.
Comment: This sequence change replaces phenylalanine, which is neutral and non-polar, with cysteine, which is neutral and slightly polar, at codon 61 of the HAX1 protein (p.Phe61Cys). This variant is present in population databases (rs146452018, gnomAD 0.005%). This missense change has been observed in individual(s) with clinical features of HAX1-related conditions (PMID: 32581362). ClinVar contains an entry for this variant (Variation ID: 812887). Invitae Evidence Modeling of protein sequence and biophysical properties (such as structural, functional, and spatial information, amino acid conservation, physicochemical variation, residue mobility, and thermodynamic stability) indicates that this missense variant is not expected to disrupt HAX1 protein function with a negative predictive value of 80%. In summary, the available evidence is currently insufficient to determine the role of this variant in disease. Therefore, it has been classified as a Variant of Uncertain Significance.

Blueprint Genetics
Classification: Uncertain significance. Last evaluated: 2021-04-14. Review status: criteria provided, single submitter. Criteria: ACMG Guidelines, 2015. Collection method: clinical testing. Allele origin: germline.

Natera, Inc.
Classification: Uncertain significance for Autosomal recessive severe congenital neutropenia type 3. Last evaluated: 2020-01-04. Review status: no assertion criteria provided. Collection method: clinical testing. Allele origin: germline. Not counted in ClinVar's aggregate classification.

NIHR Bioresource Rare Diseases, University of Cambridge
Classification: Likely pathogenic for Decreased total neutrophil count. Review status: no assertion criteria provided. Collection method: research. Allele origin: unknown. Affected: yes. Observed: 1 variant allele. Not counted in ClinVar's aggregate classification.

Literature cited by the submitters: PubMed 32581362 (cited by Labcorp Genetics (formerly Invitae), Labcorp and NIHR Bioresource Rare Diseases, University of Cambridge).